The following is an entry in ClinVar:

NM_000264.5(PTCH1):c.71C>T (p.Pro24Leu)

Genes: PTCH1 (patched 1; minus strand), LOC130002133 (ATAC-STARR-seq lymphoblastoid silent region 20071; plus strand). Cytogenetic location: 9q22.32.
Variant type: single nucleotide variant.
Coding change: c.71C>T on transcript NM_000264.5 (MANE Select); coding-DNA position 71, C replaced by T.
Protein change: p.Pro24Leu; replaces proline 24 with leucine.
Molecular consequence: missense variant. On other transcripts: intron variant (3), non-coding transcript variant (1).
Genome position (GRCh38, 1-based): chr9:95,508,291, G>A on the plus strand (C>T on the coding strand, the complement: PTCH1 is on the minus strand). VCF-style: chr9-95508291-G-A. GRCh37 (hg19) VCF-style: chr9-98270573-G-A.
Other names: c.4-1692C>T (NM_001083602.3, NM_001354919.2); c.71C>T, p.Pro24Leu (NM_001354918.2); c.199-1692C>T (NM_001083603.3); short protein forms P24L.
Identifiers: ClinVar variation 570113 (VCV000570113.14), dbSNP rs767973616, ClinGen allele CA5139059.

ClinVar aggregate classification (germline): Conflicting classifications of pathogenicity. Review status: criteria provided, conflicting classifications (1 of 4 stars). 3 submissions from 3 submitters: Uncertain significance (2); Benign (1). Last evaluated 2025-06-04.

Conditions:
Hereditary cancer-predisposing syndrome. Also called: Hereditary neoplastic syndrome; Neoplastic Syndromes, Hereditary; Hereditary Cancer Syndrome; Tumor predisposition. Identifiers: Orphanet 140162, MedGen C0027672, MeSH D009386, MONDO:0015356.
Gorlin syndrome. Also called: Nevoid Basal Cell Carcinoma Syndrome; Basal cell nevus syndrome. Identifiers: Orphanet 377, MedGen C0004779, MONDO:0007187.

Allele frequency attached by ClinVar (database versions not stated): ExAC below 0.00001; gnomAD exomes below 0.00001; gnomAD 0.00004; TOPMed 0.00005.
gnomAD v4.1: 8 of 1,530,578 alleles (0.00052%); highest among the groups gnomAD compares: African/African-American, 0.0084%; no homozygotes.

Submissions (3):

Labcorp Genetics (formerly Invitae), Labcorp
Classification: Uncertain significance for Gorlin syndrome. Last evaluated: 2025-06-04. Review status: criteria provided, single submitter. Criteria: Invitae Variant Classification Sherloc (09022015). Collection method: clinical testing. Allele origin: germline.
Comment: This sequence change replaces proline, which is neutral and non-polar, with leucine, which is neutral and non-polar, at codon 24 of the PTCH1 protein (p.Pro24Leu). This variant is not present in population databases (gnomAD no frequency). This variant has not been reported in the literature in individuals affected with PTCH1-related conditions. ClinVar contains an entry for this variant (Variation ID: 570113). Invitae Evidence Modeling of protein sequence and biophysical properties (such as structural, functional, and spatial information, amino acid conservation, physicochemical variation, residue mobility, and thermodynamic stability) indicates that this missense variant is not expected to disrupt PTCH1 protein function with a negative predictive value of 95%. In summary, the available evidence is currently insufficient to determine the role of this variant in disease. Therefore, it has been classified as a Variant of Uncertain Significance.

Ambry Genetics
Classification: Benign for Hereditary cancer-predisposing syndrome. Last evaluated: 2023-01-25. Review status: criteria provided, single submitter. Criteria: Ambry Variant Classification Scheme 2023. Collection method: clinical testing. Allele origin: germline.

Women's Health and Genetics/Laboratory Corporation of America, LabCorp
Classification: Uncertain significance. Last evaluated: 2022-11-01. Review status: criteria provided, single submitter. Criteria: LabCorp Variant Classification Summary - May 2015. Collection method: clinical testing. Allele origin: germline.
Comment: Variant summary: PTCH1 c.71C>T (p.Pro24Leu) results in a non-conservative amino acid change in the encoded protein sequence. Three of five in-silico tools predict a benign effect of the variant on protein function. The variant was absent in 134076 control chromosomes (gnomAD). The available data on variant occurrences in the general population are insufficient to allow any conclusion about variant significance. To our knowledge, no occurrence of c.71C>T in individuals affected with Nevoid Basal Cell Carcinoma Syndrome (Gorlin Syndrome) and no experimental evidence demonstrating its impact on protein function have been reported. One clinical diagnostic laboratory has submitted clinical-significance assessments for this variant to ClinVar after 2014 and classified the variant as uncertain significance. Based on the evidence outlined above, the variant was classified as uncertain significance.